The following is an entry in ClinVar:

NM_001040151.2(SCN3B):c.388G>A (p.Ala130Thr)

Gene: SCN3B (sodium voltage-gated channel beta subunit 3; minus strand). Cytogenetic location: 11q24.1.
Variant type: single nucleotide variant.
Coding change: c.388G>A on transcript NM_001040151.2 (MANE Select); coding-DNA position 388, G replaced by A.
Protein change: p.Ala130Thr; replaces alanine 130 with threonine.
Molecular consequence: missense variant.
Genome position (GRCh38, 1-based): chr11:123,642,503, C>T on the plus strand (G>A on the coding strand, the complement: SCN3B is on the minus strand). VCF-style: chr11-123642503-C-T. GRCh37 (hg19) VCF-style: chr11-123513211-C-T.
Other names: c.388G>A, p.Ala130Thr (NM_018400.4); short protein forms A130T.
Identifiers: ClinVar variation 3950935 (VCV003950935.1).

ClinVar aggregate classification (germline): Uncertain significance (1 of 4 stars; one submission).

Conditions:
Cardiovascular phenotype. Identifiers: MedGen CN230736.

Submission:

Ambry Genetics
Classification: Uncertain significance for Cardiovascular phenotype. Last evaluated: 2025-03-31. Review status: criteria provided, single submitter. Criteria: Ambry Variant Classification Scheme 2023. Collection method: clinical testing. Allele origin: germline.
Comment: The p.A130T variant (also known as c.388G>A), located in coding exon 3 of the SCN3B gene, results from a G to A substitution at nucleotide position 388. The alanine at codon 130 is replaced by threonine, an amino acid with similar properties. This amino acid position is conserved. In addition, this alteration is predicted to be tolerated by in silico analysis. Based on the available evidence, the clinical significance of this variant remains unclear.